The following is an entry in ClinVar:

NM_005120.3(MED12):c.4196C>A (p.Ser1399Tyr)

Gene: MED12 (mediator complex subunit 12; plus strand). Cytogenetic location: Xq13.1.
Variant type: single nucleotide variant.
Coding change: c.4196C>A on transcript NM_005120.3 (MANE Select); coding-DNA position 4196, C replaced by A.
Protein change: p.Ser1399Tyr; replaces serine 1399 with tyrosine.
Molecular consequence: missense variant.
Genome position (GRCh38, 1-based): chrX:71,132,149, C>A. VCF-style: chrX-71132149-C-A. GRCh37 (hg19) VCF-style: chrX-70351999-C-A.
Other names: short protein forms S1399Y.
Identifiers: ClinVar variation 1716815 (VCV001716815.6), dbSNP rs2147813419, ClinGen allele CA413525789.

ClinVar aggregate classification (germline): Uncertain significance (1 of 4 stars; one submission).

Conditions:
FG syndrome (FGS). Identifiers: MedGen C0220769, MONDO:0002010.

Submission:

Labcorp Genetics (formerly Invitae), Labcorp
Classification: Uncertain significance for FG syndrome. Last evaluated: 2022-08-19. Review status: criteria provided, single submitter. Criteria: Invitae Variant Classification Sherloc (09022015). Collection method: clinical testing. Allele origin: germline.
Comment: This sequence change replaces serine, which is neutral and polar, with tyrosine, which is neutral and polar, at codon 1399 of the MED12 protein (p.Ser1399Tyr). This variant is not present in population databases (gnomAD no frequency). This variant has not been reported in the literature in individuals affected with MED12-related conditions. Algorithms developed to predict the effect of missense changes on protein structure and function are either unavailable or do not agree on the potential impact of this missense change (SIFT: "Deleterious"; PolyPhen-2: "Benign"; Align-GVGD: "Class C15"). In summary, the available evidence is currently insufficient to determine the role of this variant in disease. Therefore, it has been classified as a Variant of Uncertain Significance.